The following is an entry in ClinVar:

NM_001312909.2(FAM111A):c.853G>C (p.Glu285Gln)

Gene: FAM111A (FAM111 trypsin like peptidase A; plus strand). Cytogenetic location: 11q12.1.
Variant type: single nucleotide variant.
Coding change: c.853G>C on transcript NM_001312909.2 (MANE Select); coding-DNA position 853, G replaced by C.
Protein change: p.Glu285Gln; replaces glutamic acid 285 with glutamine.
Molecular consequence: missense variant.
Genome position (GRCh38, 1-based): chr11:59,152,521, G>C. VCF-style: chr11-59152521-G-C. GRCh37 (hg19) VCF-style: chr11-58919994-G-C.
Other names: c.853G>C, p.Glu285Gln (NM_001374854.1, NM_001374855.1, NM_001374856.1 and 29 more transcripts); short protein forms E285Q.
Identifiers: ClinVar variation 2899490 (VCV002899490.4), dbSNP rs376721381, ClinGen allele CA6016661.

ClinVar aggregate classification (germline): Conflicting classifications of pathogenicity. Review status: criteria provided, conflicting classifications (1 of 4 stars). 2 submissions from 2 submitters: Uncertain significance (1); Likely benign (1). Last evaluated 2023-04-09.

Conditions:
Skeletal dysplasia. Also called: Primary bone dysplasia. Identifiers: Orphanet 364526, MedGen C0410528, MONDO:0018230, HP:0002652.

Allele frequency attached by ClinVar (database versions not stated): gnomAD 0.00001; ExAC 0.00002; gnomAD exomes 0.00003; ESP Exome Variant Server 0.00008.
gnomAD v4.1: 42 of 1,613,968 alleles (0.0026%); highest among the groups gnomAD compares: Non-Finnish European, 0.0033%; no homozygotes.

Submissions (2):

Labcorp Genetics (formerly Invitae), Labcorp
Classification: Uncertain significance. Last evaluated: 2023-04-09. Review status: criteria provided, single submitter. Criteria: Invitae Variant Classification Sherloc (09022015). Collection method: clinical testing. Allele origin: germline.
Comment: This variant has not been reported in the literature in individuals affected with FAM111A-related conditions. This variant is present in population databases (rs376721381, gnomAD 0.004%). This sequence change replaces glutamic acid, which is acidic and polar, with glutamine, which is neutral and polar, at codon 285 of the FAM111A protein (p.Glu285Gln). Advanced modeling of protein sequence and biophysical properties (such as structural, functional, and spatial information, amino acid conservation, physicochemical variation, residue mobility, and thermodynamic stability) performed at Invitae indicates that this missense variant is not expected to disrupt FAM111A protein function. In summary, the available evidence is currently insufficient to determine the role of this variant in disease. Therefore, it has been classified as a Variant of Uncertain Significance.

Cambridge Genomics Laboratory, East Genomic Laboratory Hub, NHS Genomic Medicine Service
Classification: Likely benign for Skeletal dysplasia. Last evaluated: 2020-02-05. Review status: criteria provided, single submitter. Criteria: ACGS Best Practice Guidelines for Variant Classification in Rare Disease 2020. Collection method: clinical testing. Allele origin: germline. Affected: yes. Observed: 1 variant allele.